The following is an entry in ClinVar:

ClinVar aggregate classification (germline): Pathogenic. Review status: criteria provided, single submitter (1 of 4 stars). 2 submissions from 2 submitters: Pathogenic (1). 1 of the submissions does not count toward it. Last evaluated 2024-01-09.

Conditions:
Hereditary factor XI deficiency disease. Also called: Congenital factor XI deficiency; PLASMA THROMBOPLASTIN ANTECEDENT DEFICIENCY; PTA DEFICIENCY; ROSENTHAL SYNDROME. Identifiers: Orphanet 329, MedGen C0015523, MeSH D005173, MONDO:0012897, OMIM 612416.

Submissions (2):

Labcorp Genetics (formerly Invitae), Labcorp
Classification: Pathogenic. Last evaluated: 2024-01-09. Review status: criteria provided, single submitter. Criteria: Invitae Variant Classification Sherloc (09022015). Collection method: clinical testing. Allele origin: germline.
Comment: This sequence change creates a premature translational stop signal (p.Thr259Hisfs*90) in the F11 gene. It is expected to result in an absent or disrupted protein product. Loss-of-function variants in F11 are known to be pathogenic (PMID: 23929304). This variant is not present in population databases (gnomAD no frequency). This premature translational stop signal has been observed in individual(s) with FXI deficiency (PMID: 19367158). ClinVar contains an entry for this variant (Variation ID: 553190). For these reasons, this variant has been classified as Pathogenic.

Counsyl
Classification: Likely pathogenic for Hereditary factor XI deficiency disease. Last evaluated: 2017-08-04. Review status: no assertion criteria provided. Collection method: clinical testing. Allele origin: unknown. Not counted in ClinVar's aggregate classification.

Literature cited by the submitters: PubMed 23929304 (cited by Labcorp Genetics (formerly Invitae), Labcorp); PubMed 19367158 (cited by Labcorp Genetics (formerly Invitae), Labcorp and Counsyl).

NM_000128.4(F11):c.769del (p.Thr259fs)

Gene: F11 (coagulation factor XI; plus strand). Cytogenetic location: 4q35.2.
Variant type: Deletion.
Coding change: c.769del on transcript NM_000128.4 (MANE Select); coding-DNA position 769, one base deleted (C; older notation c.769delC).
Protein change: p.Thr259fs; shifts the reading frame from threonine 259.
Molecular consequence: frameshift variant.
Genome position (GRCh38, 1-based): chr4:186,280,025, C deleted; the last of 2 consecutive C bases (chr4:186,280,024-186,280,025); deleting either gives the same sequence. VCF-style (leftmost placement, unchanged base first): chr4-186280023-TC-T. GRCh37 (hg19) VCF-style: chr4-187201177-TC-T.
Other names: c.769delC (NM_000128.3); short protein forms T259fs.
Identifiers: ClinVar variation 553190 (VCV000553190.5), dbSNP rs1554082832, ClinGen allele CA658821879.
Genomic context (GRCh38, chr4:186,280,023, plus strand): 5'-TTTATGTGTTTGATATGATATATTTCTACTTCCCTTTTGTTTTTGTTAGAAATCTTTGTC[TC>T]CTTAAAACATCTGAGAGTGGATTGCCCAGTACACGCATTAAAAAGAGCAAAGCTCTTTCT-3'